The following is an entry in ClinVar:

NM_198904.4(GABRG2):c.1277_1278insTTTTTTTTTTTTTTTTTTTTNNNNNNNNNNTTTTTTTTTTTTTTCTTTTTTTTTTTATTTTTTTATTTTTTTTTTTTTTTTTATTATACTCTAAGTTTTAGGGTACATGTGCCAGTTTTTT (p.Phe426_Cys427insPhePhePhePhePhePheXaaXaaXaaXaaPhePhePhePheSerPhePhePheTyrPhePheIlePhePhePhePhePheIleIleLeuTer)

Gene: GABRG2 (gamma-aminobutyric acid type A receptor subunit gamma2; plus strand). Cytogenetic location: 5q34.
Variant type: Microsatellite.
Coding change: c.1277_1278insTTTTTTTTTTTTTTTTTTTTNNNNNNNNNNTTTTTTTTTTTTTTCTTTTTTTTTTTATTTTTTTATTTTTTTTTTTTTTTTTATTATACTCTAAGTTTTAGGGTACATGTGCCAGTTTTTT on transcript NM_198904.4 (MANE Select); coding-DNA positions 1277 to 1278, TTTTTTTTTTTTTTTTTTTTNNNNNNNNNNTTTTTTTTTTTTTTCTTTTTTTTTTTATTTTTTTATTTTTTTTTTTTTTTTTATTATACTCTAAGTTTTAGGGTACATGTGCCAGTTTTTT inserted.
Protein change: p.Phe426_Cys427insPhePhePhePhePhePheXaaXaaXaaXaaPhePhePhePheSerPhePhePheTyrPhePheIlePhePhePhePhePheIleIleLeuTer.
Molecular consequence: nonsense, inframe insertion. On other transcripts: 3 prime UTR variant (1).
Genome position: GRCh38: chr5:162,153,204-162,153,217. GRCh37 (hg19): chr5:161,580,210-161,580,223.
Other names: c.1253_1254insTTTTTTTTTTTTTTTTTTTTNNNNNNNNNNTTTTTTTTTTTTTTCTTTTTTTTTTTATTTTTTTATTTTTTTTTTTTTTTTTATTATACTCTAAGTTTTAGGGTACATGTGCCAGTTTTTT, p.Phe418_Cys419insPhePhePhePhePhePheXaaXaaXaaXaaPhePhePhePheSerPhePhePheTyrPhePheIlePhePhePhePhePheIleIleLeuTer (NM_000816.3); c.1268_1269insTTTTTTTTTTTTTTTTTTTTNNNNNNNNNNTTTTTTTTTTTTTTCTTTTTTTTTTTATTTTTTTATTTTTTTTTTTTTTTTTATTATACTCTAAGTTTTAGGGTACATGTGCCAGTTTTTT, p.Phe423_Cys424insPhePhePhePhePhePheXaaXaaXaaXaaPhePhePhePheSerPhePhePheTyrPhePheIlePhePhePhePhePheIleIleLeuTer (NM_001375339.1); c.*98_*111TG[2]CCAGTTTTTTTTTTTTTTTTTTTTTTTTTTNNNNNNNNNNTTTTTTTTTTTTTTCTTTTTTTTTTTATTTTTTTATTTTTTTTTTTTTTTTTATTATACTCTAAGTTTTAGGGTACATGTGCCAGTTTTTT[1] (NM_001375340.1); c.1274_1275insTTTTTTTTTTTTTTTTTTTTNNNNNNNNNNTTTTTTTTTTTTTTCTTTTTTTTTTTATTTTTTTATTTTTTTTTTTTTTTTTATTATACTCTAAGTTTTAGGGTACATGTGCCAGTTTTTT, p.Phe425_Cys426insPhePhePhePhePhePheXaaXaaXaaXaaPhePhePhePheSerPhePhePheTyrPhePheIlePhePhePhePhePheIleIleLeuTer (NM_001375341.1); c.1250_1251insTTTTTTTTTTTTTTTTTTTTNNNNNNNNNNTTTTTTTTTTTTTTCTTTTTTTTTTTATTTTTTTATTTTTTTTTTTTTTTTTATTATACTCTAAGTTTTAGGGTACATGTGCCAGTTTTTT, p.Phe417_Cys418insPhePhePhePhePhePheXaaXaaXaaXaaPhePhePhePheSerPhePhePheTyrPhePheIlePhePhePhePhePheIleIleLeuTer (NM_001375342.1); c.1373_1374insTTTTTTTTTTTTTTTTTTTTNNNNNNNNNNTTTTTTTTTTTTTTCTTTTTTTTTTTATTTTTTTATTTTTTTTTTTTTTTTTATTATACTCTAAGTTTTAGGGTACATGTGCCAGTTTTTT, p.Phe458_Cys459insPhePhePhePhePhePheXaaXaaXaaXaaPhePhePhePheSerPhePhePheTyrPhePheIlePhePhePhePhePheIleIleLeuTer (NM_001375343.1); c.1316_1317insTTTTTTTTTTTTTTTTTTTTNNNNNNNNNNTTTTTTTTTTTTTTCTTTTTTTTTTTATTTTTTTATTTTTTTTTTTTTTTTTATTATACTCTAAGTTTTAGGGTACATGTGCCAGTTTTTT, p.Phe439_Cys440insPhePhePhePhePhePheXaaXaaXaaXaaPhePhePhePheSerPhePhePheTyrPhePheIlePhePhePhePhePheIleIleLeuTer (NM_001375344.1); c.1187_1188insTTTTTTTTTTTTTTTTTTTTNNNNNNNNNNTTTTTTTTTTTTTTCTTTTTTTTTTTATTTTTTTATTTTTTTTTTTTTTTTTATTATACTCTAAGTTTTAGGGTACATGTGCCAGTTTTTT, p.Phe396_Cys397insPhePhePhePhePhePheXaaXaaXaaXaaPhePhePhePheSerPhePhePheTyrPhePheIlePhePhePhePhePheIleIleLeuTer (NM_001375345.1); and 6 more.
Identifiers: ClinVar variation 2088473 (VCV002088473.4).

ClinVar aggregate classification (germline): Pathogenic (1 of 4 stars; one submission).

Conditions:
EPILEPSY, CHILDHOOD ABSENCE, SUSCEPTIBILITY TO, 2 (ECA2). Identifiers: Orphanet 64280, MedGen C1843244, OMIM 607681.
Febrile seizures, familial, 8 (FEB8). Also called: CONVULSIONS, FAMILIAL FEBRILE, 8. Identifiers: Orphanet 36387, MedGen C1969810, MONDO:0011891, OMIM 607681.

Submission:

Labcorp Genetics (formerly Invitae), Labcorp
Classification: Pathogenic for Febrile seizures, familial, 8; EPILEPSY, CHILDHOOD ABSENCE, SUSCEPTIBILITY TO, 2. Last evaluated: 2024-02-05. Review status: criteria provided, single submitter. Criteria: Invitae Variant Classification Sherloc (09022015). Collection method: clinical testing. Allele origin: germline.
Comment: This sequence change inserts a large fragment of DNA, likely a transposable element, in exon 9 of the GABRG2 gene (c.1253_1254ins121), causing a frameshift at codon 419 (p.Cys419Phefs*31). The exact size and sequence of the insertion cannot be determined by the current assay. However, the insertion is expected to result in an absent or disrupted protein product. This variant is not present in population databases (gnomAD no frequency). This variant has not been reported in the literature in individuals affected with GABRG2-related conditions. ClinVar contains an entry for this variant (Variation ID: 2088473). This variant disrupts a region of the GABRG2 protein in which other variant(s) (p.Arg437Leu) have been determined to be pathogenic (Invitae). This suggests that this is a clinically significant region of the protein, and that variants that disrupt it are likely to be disease-causing. Retrotransposon insertions including LINE1 (L1), Alu, and SVA (SINE-VNTR-Alu) have been reported to disrupt protein function (PMID: 19763152, 20307669, 22406018). However the effect of this particular variant is unknown. For these reasons, this variant has been classified as Pathogenic.

Literature cited by the submitters: PubMed 19763152; PubMed 20307669; PubMed 22406018.